The following is an entry in ClinVar:

ClinVar aggregate classification (germline): Uncertain significance (1 of 4 stars; one submission).

Conditions:
Medulloblastoma (MDB). Also called: MEDULLOBLASTOMA PREDISPOSITION SYNDROME; Medulloblastoma, somatic. Identifiers: Orphanet 616, MedGen C0025149, MeSH D008527, MONDO:0007959, OMIM 155255, HP:0002885.
Gorlin syndrome. Also called: Nevoid Basal Cell Carcinoma Syndrome; Basal cell nevus syndrome. Identifiers: Orphanet 377, MedGen C0004779, MONDO:0007187.

Submission:

Labcorp Genetics (formerly Invitae), Labcorp
Classification: Uncertain significance for Gorlin syndrome; Medulloblastoma. Last evaluated: 2024-04-29. Review status: criteria provided, single submitter. Criteria: Invitae Variant Classification Sherloc (09022015). Collection method: clinical testing. Allele origin: germline.
Comment: This sequence change affects the initiator methionine of the SUFU mRNA. The next in-frame methionine is located at codon 73. This variant is not present in population databases (gnomAD no frequency). This variant has not been reported in the literature in individuals affected with SUFU-related conditions. Experimental studies and prediction algorithms are not available or were not evaluated, and the functional significance of this variant is currently unknown. In summary, the available evidence is currently insufficient to determine the role of this variant in disease. Therefore, it has been classified as a Variant of Uncertain Significance.

NM_016169.4(SUFU):c.2T>C (p.Met1Thr)

Genes: SUFU (SUFU negative regulator of hedgehog signaling; plus strand), LOC130004614 (ATAC-STARR-seq lymphoblastoid silent region 2764; plus strand). Cytogenetic location: 10q24.32.
Variant type: single nucleotide variant.
Coding change: c.2T>C on transcript NM_016169.4 (MANE Select); coding-DNA position 2, T replaced by C.
Protein change: p.Met1Thr; changes the start codon (methionine 1).
Molecular consequence: missense variant, initiator codon variant.
Genome position (GRCh38, 1-based): chr10:102,504,154, T>C. VCF-style: chr10-102504154-T-C. GRCh37 (hg19) VCF-style: chr10-104263911-T-C.
Other names: c.2T>C, p.Met1Thr (NM_001178133.2); short protein forms M1T.
Identifiers: ClinVar variation 3750088 (VCV003750088.2).